The following is an entry in ClinVar:

ClinVar aggregate classification (germline): Uncertain significance (1 of 4 stars; one submission).

gnomAD v4.1: 1 of 1,589,348 alleles (0.000063%); highest among the groups gnomAD compares: Non-Finnish European, 0.000086%; no homozygotes.

Submission:

Ambry Genetics
Classification: Uncertain significance. Last evaluated: 2025-02-03. Review status: criteria provided, single submitter. Criteria: Ambry Variant Classification Scheme 2023. Collection method: clinical testing. Allele origin: germline.
Comment: The p.A265P variant (also known as c.793G>C), located in coding exon 8 of the FAM175A gene, results from a G to C substitution at nucleotide position 793. The alanine at codon 265 is replaced by proline, an amino acid with highly similar properties. This amino acid position is conserved. In addition, this alteration is predicted to be tolerated by in silico analysis. Since supporting evidence is limited at this time, the clinical significance of this alteration remains unclear.

NM_139076.3(ABRAXAS1):c.793G>C (p.Ala265Pro)

Gene: ABRAXAS1 (abraxas 1, BRCA1 A complex subunit; minus strand). Cytogenetic location: 4q21.23.
Variant type: single nucleotide variant.
Coding change: c.793G>C on transcript NM_139076.3 (MANE Select); coding-DNA position 793, G replaced by C.
Protein change: p.Ala265Pro; replaces alanine 265 with proline.
Molecular consequence: missense variant.
Genome position (GRCh38, 1-based): chr4:83,463,497, C>G on the plus strand (G>C on the coding strand, the complement: ABRAXAS1 is on the minus strand). VCF-style: chr4-83463497-C-G. GRCh37 (hg19) VCF-style: chr4-84384650-C-G.
Other names: c.466G>C, p.Ala156Pro (NM_001345962.2); short protein forms A156P, A265P.
Identifiers: ClinVar variation 1800343 (VCV001800343.4), dbSNP rs2110033955, ClinGen allele CA357256769.